The following is an entry in ClinVar:

ClinVar aggregate classification (germline): Pathogenic/Likely pathogenic. Review status: criteria provided, multiple submitters, no conflicts (2 of 4 stars). 2 submissions from 2 submitters: Pathogenic (1); Likely pathogenic (1). Last evaluated 2023-04-06.

Conditions:
Deficiency of guanidinoacetate methyltransferase (CCDS2). Also called: CEREBRAL CREATINE DEFICIENCY SYNDROME 2; Guanidinoacetate Methyltransferase (GAMT) Deficiency; GAMT DEFICIENCY. Identifiers: Orphanet 382, MedGen C0574080, MONDO:0012999, OMIM 612736.
Cerebral creatine deficiency syndrome. Also called: Creatine deficiency syndromes. Identifiers: Orphanet 79172, MedGen C5244016, MONDO:0000456.

Allele frequency attached by ClinVar (database versions not stated): gnomAD exomes below 0.00001.
gnomAD v4.1: 1 of 1,605,364 alleles (0.000062%); highest among the groups gnomAD compares: Non-Finnish European, 0.000085%; no homozygotes.

Submissions (2):

Baylor Genetics
Classification: Pathogenic for Deficiency of guanidinoacetate methyltransferase. Last evaluated: 2023-04-06. Review status: criteria provided, single submitter. Criteria: ACMG Guidelines, 2015. Collection method: clinical testing. Allele origin: unknown.

Labcorp Genetics (formerly Invitae), Labcorp
Classification: Likely pathogenic for Cerebral creatine deficiency syndrome. Last evaluated: 2019-01-17. Review status: criteria provided, single submitter. Criteria: Invitae Variant Classification Sherloc (09022015). Collection method: clinical testing. Allele origin: germline.
Comment: This variant is not present in population databases (ExAC no frequency). This sequence change affects an acceptor splice site in intron 1 of the GAMT gene. It is expected to disrupt RNA splicing and likely results in an absent or disrupted protein product. This variant has not been reported in the literature in individuals with GAMT-related conditions. In summary, the currently available evidence indicates that the variant is pathogenic, but additional data are needed to prove that conclusively. Therefore, this variant has been classified as Likely Pathogenic. Donor and acceptor splice site variants typically lead to a loss of protein function (PMID: 16199547), and loss-of-function variants in GAMT are known to be pathogenic (PMID: 15108290). Algorithms developed to predict the effect of sequence changes on RNA splicing suggest that this variant may disrupt the consensus splice site, but this prediction has not been confirmed by published transcriptional studies.

Literature cited by the submitters: PubMed 16199547 (cited by Labcorp Genetics (formerly Invitae), Labcorp); PubMed 15108290 (cited by Labcorp Genetics (formerly Invitae), Labcorp).

NM_000156.6(GAMT):c.182-2A>G

Gene: GAMT (guanidinoacetate N-methyltransferase; minus strand). Cytogenetic location: 19p13.3.
Variant type: single nucleotide variant.
Coding change: c.182-2A>G on transcript NM_000156.6 (MANE Select); the canonical splice acceptor site of the intron before coding-DNA position 182, A replaced by G.
Molecular consequence: splice acceptor variant.
Genome position (GRCh38, 1-based): chr19:1,399,940, T>C on the plus strand (A>G on the coding strand, the complement: GAMT is on the minus strand). VCF-style: chr19-1399940-T-C. GRCh37 (hg19) VCF-style: chr19-1399939-T-C.
Other names: c.182-2A>G (NM_138924.3).
Identifiers: ClinVar variation 851543 (VCV000851543.9), dbSNP rs2082624299, ClinGen allele CA402997368.